The following is an entry in ClinVar:

NM_006180.6(NTRK2):c.583+7T>C

Gene: NTRK2 (neurotrophic receptor tyrosine kinase 2; plus strand). Cytogenetic location: 9q21.33.
Variant type: single nucleotide variant.
Coding change: c.583+7T>C on transcript NM_006180.6 (MANE Select); 7 bases into the intron after coding-DNA position 583, T replaced by C.
Molecular consequence: intron variant.
Genome position (GRCh38, 1-based): chr9:84,710,798, T>C. VCF-style: chr9-84710798-T-C. GRCh37 (hg19) VCF-style: chr9-87325713-T-C.
Other names: c.583+7T>C (NM_001369532.1, NM_001369533.1, NM_001018066.3 and 19 more transcripts); c.115+7T>C (NM_001369536.1, NM_001369535.1, NM_001369550.1 and 2 more transcripts).
Identifiers: ClinVar variation 1605434 (VCV001605434.11), dbSNP rs201975669, ClinGen allele CA5105525.

ClinVar aggregate classification (germline): Likely benign. Review status: criteria provided, multiple submitters, no conflicts (2 of 4 stars). 3 submissions from 3 submitters: Likely benign (2). 1 of the submissions does not count toward it. Last evaluated 2025-06-15.

Conditions:
NTRK2-related disorder. Also called: NTRK2-related condition.

Allele frequency attached by ClinVar (database versions not stated): TOPMed below 0.00001; gnomAD 0.00001; ExAC 0.00002; gnomAD exomes 0.00002.
gnomAD v4.1: 33 of 1,613,920 alleles (0.002%); highest among the groups gnomAD compares: Admixed American, 0.0033%; no homozygotes.

Submissions (3):

Labcorp Genetics (formerly Invitae), Labcorp
Classification: Likely benign. Last evaluated: 2025-06-15. Review status: criteria provided, single submitter. Criteria: Invitae Variant Classification Sherloc (09022015). Collection method: clinical testing. Allele origin: germline.

Blueprint Genetics
Classification: Likely benign. Last evaluated: 2024-01-10. Review status: criteria provided, single submitter. Criteria: ACMG Guidelines, 2015. Collection method: clinical testing. Allele origin: germline.

PreventionGenetics, part of Exact Sciences
Classification: Likely benign for NTRK2-related condition. Last evaluated: 2021-07-19. Review status: no assertion criteria provided. Collection method: clinical testing. Allele origin: germline. Not counted in ClinVar's aggregate classification.
Comment: This variant is classified as likely benign based on ACMG/AMP sequence variant interpretation guidelines (Richards et al. 2015 PMID: 25741868, with internal and published modifications).